The following is an entry in ClinVar:

NM_001134363.3(RBM20):c.132_155dup (p.Pro47_Pro54dup)

Gene: RBM20 (RNA binding motif protein 20; plus strand). Cytogenetic location: 10q25.2.
Variant type: Duplication.
Coding change: c.132_155dup on transcript NM_001134363.3 (MANE Select); coding-DNA positions 132 to 155, 24 bases duplicated (GCCGCCGCCGCCCCAGCCACCGCC).
Protein change: p.Pro47_Pro54dup.
Molecular consequence: inframe insertion.
Genome position (GRCh38, 1-based): chr10:110,644,586-110,644,609, GCCGCCGCCGCCCCAGCCACCGCC duplicated; duplicating any 24 consecutive bases within chr10:110,644,583-110,644,609 gives the same sequence; the c. name uses the placement nearest the transcript's 3' end. VCF-style (leftmost placement, unchanged base first): chr10-110644582-A-AGCCGCCGCCGCCGCCCCAGCCACC. GRCh37 (hg19) VCF-style: chr10-112404340-A-AGCCGCCGCCGCCGCCCCAGCCACC.
Other names: c.132_155dupGCCGCCGCCGCCCCAGCCACCGCC (NM_001134363.1).
Identifiers: ClinVar variation 963186 (VCV000963186.10), dbSNP rs1861840424, ClinGen allele CA932504919.

ClinVar aggregate classification (germline): Uncertain significance. Review status: criteria provided, multiple submitters, no conflicts (2 of 4 stars). 2 submissions from 2 submitters: Uncertain significance (2). Last evaluated 2025-10-03.

Conditions:
Cardiovascular phenotype. Identifiers: MedGen CN230736.
Dilated cardiomyopathy 1DD (CMD1DD). Identifiers: Orphanet 154, MedGen C2750995, MONDO:0013168, OMIM 613172.

Submissions (2):

Ambry Genetics
Classification: Uncertain significance for Cardiovascular phenotype. Last evaluated: 2025-10-03. Review status: criteria provided, single submitter. Criteria: Ambry Variant Classification Scheme 2023. Collection method: clinical testing. Allele origin: germline.
Comment: The c.132_155dup24 variant (also known as p.P54_Q55insPPPPQPPP), located in coding exon 1 of the RBM20 gene, results from an in-frame duplication of 24 nucleotides at nucleotide positions 132 to 155. This results in the insertion of 8 residues between codons 54 and 55. This amino acid region is not well conserved in available vertebrate species. In addition, this variant is predicted to be neutral by in silico analysis (Choi Y et al. PLoS ONE. 2012; 7(10):e46688). Based on the available evidence, the clinical significance of this variant remains unclear.

Labcorp Genetics (formerly Invitae), Labcorp
Classification: Uncertain significance for Dilated cardiomyopathy 1DD. Last evaluated: 2019-09-07. Review status: criteria provided, single submitter. Criteria: Invitae Variant Classification Sherloc (09022015). Collection method: clinical testing. Allele origin: germline.
Comment: In summary, the available evidence is currently insufficient to determine the role of this variant in disease. Therefore, it has been classified as a Variant of Uncertain Significance. Algorithms developed to predict the effect of sequence changes on RNA splicing suggest that this variant may create or strengthen a splice site, but this prediction has not been confirmed by published transcriptional studies. Experimental studies and prediction algorithms are not available or were not evaluated for this variant, and the functional significance of this variant is currently unknown. This variant has not been reported in the literature in individuals with RBM20-related conditions. The frequency data for this variant in the population databases is considered unreliable, as metrics indicate insufficient coverage at this position in the ExAC database. This variant, c.132_155dup, results in the insertion of 8 amino acid(s) to the RBM20 protein (p.Pro47_Pro54dup), but otherwise preserves the integrity of the reading frame.